The following is an entry in ClinVar:

NM_001377.3(DYNC2H1):c.10549C>T (p.Arg3517Cys)

Gene: DYNC2H1 (dynein cytoplasmic 2 heavy chain 1; plus strand). Cytogenetic location: 11q22.3.
Variant type: single nucleotide variant.
Coding change: c.10549C>T on transcript NM_001377.3 (MANE Select); coding-DNA position 10549, C replaced by T.
Protein change: p.Arg3517Cys; replaces arginine 3517 with cysteine.
Molecular consequence: missense variant.
Genome position (GRCh38, 1-based): chr11:103,257,695, C>T. VCF-style: chr11-103257695-C-T. GRCh37 (hg19) VCF-style: chr11-103128424-C-T.
Other names: c.10570C>T, p.Arg3524Cys (NM_001080463.2); short protein forms R3524C, R3517C.
Identifiers: ClinVar variation 2154474 (VCV002154474.1), dbSNP rs750834982, ClinGen allele CA6255004.

ClinVar aggregate classification (germline): Uncertain significance (1 of 4 stars; one submission).

Conditions:
Jeune thoracic dystrophy. Also called: Short-rib thoracic dysplasia; Jeune syndrome; Infantile thoracic dystrophy; Thoracic pelvic phalangeal dystrophy; Jeune's syndrome; Chondroectodermal dysplasia-like syndrome. Identifiers: Orphanet 474, MedGen C0265275, MONDO:0018770.

Allele frequency attached by ClinVar (database versions not stated): gnomAD 0.00001; ExAC 0.00002; gnomAD exomes 0.00002; TOPMed 0.00003.
gnomAD v4.1: 28 of 1,610,886 alleles (0.0017%); highest among the groups gnomAD compares: Middle Eastern, 0.016%; no homozygotes.

Submission:

Labcorp Genetics (formerly Invitae), Labcorp
Classification: Uncertain significance for Jeune thoracic dystrophy. Last evaluated: 2022-07-05. Review status: criteria provided, single submitter. Criteria: Invitae Variant Classification Sherloc (09022015). Collection method: clinical testing. Allele origin: germline.
Comment: This sequence change replaces arginine, which is basic and polar, with cysteine, which is neutral and slightly polar, at codon 3524 of the DYNC2H1 protein (p.Arg3524Cys). This variant is present in population databases (rs750834982, gnomAD 0.006%). This variant has not been reported in the literature in individuals affected with DYNC2H1-related conditions. Algorithms developed to predict the effect of missense changes on protein structure and function (SIFT, PolyPhen-2, Align-GVGD) all suggest that this variant is likely to be disruptive. In summary, the available evidence is currently insufficient to determine the role of this variant in disease. Therefore, it has been classified as a Variant of Uncertain Significance.